The following is an entry in ClinVar:

ClinVar aggregate classification (germline): Likely benign (0 of 4 stars; one submission).

Conditions:
ZFHX4-related disorder. Also called: ZFHX4-related condition.

gnomAD v4.1: 9 of 1,613,926 alleles (0.00056%); highest among the groups gnomAD compares: African/African-American, 0.0013%; no homozygotes.

Submission:

PreventionGenetics, part of Exact Sciences
Classification: Likely benign for ZFHX4-related condition. Last evaluated: 2019-03-08. Review status: no assertion criteria provided. Collection method: clinical testing. Allele origin: germline.
Comment: This variant is classified as likely benign based on ACMG/AMP sequence variant interpretation guidelines (Richards et al. 2015 PMID: 25741868, with internal and published modifications).

NM_024721.5(ZFHX4):c.2721T>C (p.Ala907=)

Gene: ZFHX4 (zinc finger homeobox 4; plus strand). Cytogenetic location: 8q21.13.
Variant type: single nucleotide variant.
Coding change: c.2721T>C on transcript NM_024721.5 (MANE Select); coding-DNA position 2721, T replaced by C.
Protein change: p.Ala907=; no amino-acid change (alanine 907 retained).
Molecular consequence: synonymous variant.
Genome position (GRCh38, 1-based): chr8:76,707,676, T>C. VCF-style: chr8-76707676-T-C. GRCh37 (hg19) VCF-style: chr8-77619911-T-C.
Other names: c.2643T>C, p.Ala881= (NM_001410934.1).
Identifiers: ClinVar variation 3352965 (VCV003352965.1).